The following is an entry in ClinVar:

ClinVar aggregate classification (germline): Likely pathogenic (1 of 4 stars; one submission).

Conditions:
Dilated cardiomyopathy 1G (CMD1G). Identifiers: Orphanet 154, MedGen C1858763, MONDO:0011400, OMIM 604145.
Autosomal recessive limb-girdle muscular dystrophy type 2J (LGMDR10). Also called: Limb-girdle muscular dystrophy, type 2J; MUSCULAR DYSTROPHY, LIMB-GIRDLE, AUTOSOMAL RECESSIVE 10. Identifiers: Orphanet 140922, MedGen C1837342, MONDO:0012127, OMIM 608807.

Submission:

Labcorp Genetics (formerly Invitae), Labcorp
Classification: Likely pathogenic for Dilated cardiomyopathy 1G; Autosomal recessive limb-girdle muscular dystrophy type 2J. Last evaluated: 2022-10-27. Review status: criteria provided, single submitter. Criteria: Invitae Variant Classification Sherloc (09022015). Collection method: clinical testing. Allele origin: germline.
Comment: In summary, the currently available evidence indicates that the variant is pathogenic, but additional data are needed to prove that conclusively. Therefore, this variant has been classified as Likely Pathogenic. This variant is located in the A band of TTN (PMID: 25589632). Truncating variants in this region are significantly overrepresented in patients affected with dilated cardiomyopathy (PMID: 25589632). Truncating variants in this region have also been reported in individuals affected with autosomal recessive centronuclear myopathy (PMID: 23975875). This variant has not been reported in the literature in individuals affected with TTN-related conditions. This variant is not present in population databases (gnomAD no frequency). This sequence change creates a premature translational stop signal (p.Thr23468Lysfs*6) in the TTN gene. While this is not anticipated to result in nonsense mediated decay, it is expected to create a truncated TTN protein.

Literature cited by the submitters: PubMed 25589632; PubMed 23975875.

NM_001267550.2(TTN):c.70401_70402dup (p.Thr23468fs)

Genes: TTN (titin; minus strand), TTN-AS1 (TTN antisense RNA 1; plus strand), LOC126806422 (BRD4-independent group 4 enhancer GRCh37_chr2:179440205-179441404; plus strand). Cytogenetic location: 2q31.2.
Variant type: Duplication.
Coding change: c.70401_70402dup on transcript NM_001267550.2 (MANE Select); coding-DNA positions 70401 to 70402, 2 bases duplicated (AA; older notation c.70401_70402dupAA).
Protein change: p.Thr23468fs; shifts the reading frame from threonine 23468.
Molecular consequence: frameshift variant.
Genome position (GRCh38, 1-based): chr2:178,575,730-178,575,731, TT duplicated on the plus strand (AA on the coding strand, the reverse complement: TTN is on the minus strand). VCF-style (leftmost placement, unchanged base first): chr2-178575729-G-GTT. GRCh37 (hg19) VCF-style: chr2-179440456-G-GTT.
Other names: c.65478_65479dup, p.Thr21827fs (NM_001256850.1); c.43206_43207dup, p.Thr14403fs (NM_003319.4); c.62697_62698dup, p.Thr20900fs (NM_133378.4); c.43581_43582dup, p.Thr14528fs (NM_133432.3); c.43782_43783dup, p.Thr14595fs (NM_133437.4); short protein forms T14403fs, T21827fs, T14595fs, T20900fs, T14528fs, T23468fs.
Identifiers: ClinVar variation 2941031 (VCV002941031.3), dbSNP rs2468694821, ClinGen allele CA2740096028.